The following is an entry in ClinVar:

NM_017909.4(RMND1):c.1002+15T>C

Gene: RMND1 (required for meiotic nuclear division 1 homolog; minus strand). Cytogenetic location: 6q25.1.
Variant type: single nucleotide variant.
Coding change: c.1002+15T>C on transcript NM_017909.4 (MANE Select); 15 bases into the intron after coding-DNA position 1002, T replaced by C.
Molecular consequence: intron variant.
Genome position (GRCh38, 1-based): chr6:151,422,526, A>G on the plus strand (T>C on the coding strand, the complement: RMND1 is on the minus strand). VCF-style: chr6-151422526-A-G. GRCh37 (hg19) VCF-style: chr6-151743661-A-G.
Other names: c.492+15T>C (NM_001271937.2).
Identifiers: ClinVar variation 512667 (VCV000512667.5), dbSNP rs1031150030, ClinGen allele CA150108339.

ClinVar aggregate classification (germline): Likely benign. Review status: criteria provided, multiple submitters, no conflicts (2 of 4 stars). 2 submissions from 2 submitters: Likely benign (2). Last evaluated 2023-08-04.

Allele frequency attached by ClinVar (database versions not stated): TOPMed 0.00003.

Submissions (2):

Labcorp Genetics (formerly Invitae), Labcorp
Classification: Likely benign. Last evaluated: 2023-08-04. Review status: criteria provided, single submitter. Criteria: Invitae Variant Classification Sherloc (09022015). Collection method: clinical testing. Allele origin: germline.

GeneDx
Classification: Likely benign. Last evaluated: 2017-10-24. Review status: criteria provided, single submitter. Criteria: GeneDx Variant Classification (06012015). Collection method: clinical testing. Allele origin: germline. Affected: yes.
Comment: This variant is considered likely benign or benign based on one or more of the following criteria: it is a conservative change, it occurs at a poorly conserved position in the protein, it is predicted to be benign by multiple in silico algorithms, and/or has population frequency not consistent with disease.